The following is an entry in ClinVar:

NM_175929.3(FGF14):c.208+239895_208+239904del

Gene: FGF14 (fibroblast growth factor 14; minus strand). Cytogenetic location: 13q33.1.
Variant type: Deletion.
Coding change: c.208+239895_208+239904del on transcript NM_175929.3 (MANE Plus Clinical); bases 239895 to 239904 of the intron after coding-DNA position 208, 10 bases deleted (TTTCTTTCTT; older notation c.208+239895_208+239904delTTTCTTTCTT).
Molecular consequence: intron variant.
Genome position (GRCh38, 1-based): chr13:102,161,567-102,161,576, AAGAAAGAAA deleted on the plus strand (TTTCTTTCTT on the coding strand, the reverse complement: FGF14 is on the minus strand). VCF-style (leftmost placement, unchanged base first): chr13-102161566-GAAGAAAGAAA-G. GRCh37 (hg19) VCF-style: chr13-102813916-GAAGAAAGAAA-G.
Other names: c.52+239895_52+239904del (NM_001321947.2); c.91+239895_91+239904del (NM_001379342.1, NM_001321948.2, NM_001321945.2); c.-60+204869_-60+204878del (NM_001321946.2, NM_001321949.1); c.13+59121_13+59130del (NM_001321938.2, NM_001321940.1, NM_001321933.1); c.208+239895_208+239904del (NM_001321939.2, NM_001321937.2); c.7+132398_7+132407del (NM_001321941.2); c.4+31461_4+31470del (NM_001321944.1, NM_001321936.1, NM_001321932.1); c.-60+44291_-60+44300del (NM_001321943.1); and 4 more.
Identifiers: ClinVar variation 4083514 (VCV004083514.8).

ClinVar aggregate classification (germline): Likely benign (1 of 4 stars; one submission).

Submission:

CeGaT Center for Human Genetics Tuebingen
Classification: Likely benign. Last evaluated: 2026-08-01. Review status: criteria provided, single submitter. Criteria: CeGaT Center For Human Genetics Tuebingen Variant Classification Criteria Version 2. Collection method: clinical testing. Allele origin: germline. Affected: yes. Observed: 24 variant alleles.
Comment: FGF14: BS2